The following is an entry in ClinVar:

NM_000390.4(CHM):c.599_600del (p.Val200fs)

Gene: CHM (CHM Rab escort protein; minus strand). Cytogenetic location: Xq21.2.
Variant type: Microsatellite.
Coding change: c.599_600del on transcript NM_000390.4 (MANE Select); coding-DNA positions 599 to 600, 2 bases deleted (TG; older notation c.599_600delTG).
Protein change: p.Val200fs; shifts the reading frame from valine 200.
Molecular consequence: frameshift variant.
Genome position (GRCh38, 1-based): chrX:85,963,767-85,963,768, CA deleted on the plus strand (TG on the coding strand, the reverse complement: CHM is on the minus strand); deleting any 2 consecutive bases within chrX:85,963,767-85,963,770 gives the same sequence; the c. name uses the placement nearest the transcript's 3' end. VCF-style (leftmost placement, unchanged base first): chrX-85963766-GCA-G. GRCh37 (hg19) VCF-style: chrX-85218771-GCA-G.
Other names: c.155_156del, p.Val52fs (NM_001320959.1, NM_001362517.1, NM_001362518.2 and 1 more transcripts); short protein forms V200fs, V52fs.
Identifiers: ClinVar variation 2011732 (VCV002011732.4), dbSNP rs2520272281, ClinGen allele CA2580612436.

ClinVar aggregate classification (germline): Pathogenic (1 of 4 stars; one submission).

Submission:

Labcorp Genetics (formerly Invitae), Labcorp
Classification: Pathogenic. Last evaluated: 2022-06-28. Review status: criteria provided, single submitter. Criteria: Invitae Variant Classification Sherloc (09022015). Collection method: clinical testing. Allele origin: germline.
Comment: This sequence change creates a premature translational stop signal (p.Val200Alafs*22) in the CHM gene. It is expected to result in an absent or disrupted protein product. Loss-of-function variants in CHM are known to be pathogenic (PMID: 9067750, 23811034). This variant is not present in population databases (gnomAD no frequency). For these reasons, this variant has been classified as Pathogenic. This variant has not been reported in the literature in individuals affected with CHM-related conditions.

Literature cited by the submitters: PubMed 9067750; PubMed 23811034.